The following is an entry in ClinVar:

NM_000059.4(BRCA2):c.842_843del (p.Asp281fs)

Gene: BRCA2 (BRCA2 DNA repair associated; plus strand). Cytogenetic location: 13q13.1.
Variant type: Deletion.
Coding change: c.842_843del on transcript NM_000059.4 (MANE Select); coding-DNA positions 842 to 843, 2 bases deleted (AC; older notation c.842_843delAC).
Protein change: p.Asp281fs; shifts the reading frame from aspartic acid 281.
Molecular consequence: frameshift variant.
Genome position (GRCh38, 1-based): chr13:32,332,320-32,332,321, AC deleted. VCF-style (leftmost placement, unchanged base first): chr13-32332319-GAC-G. GRCh37 (hg19) VCF-style: chr13-32906456-GAC-G.
Other names: 1070delAC; c.842_843delAC (NM_000059.3).
Identifiers: ClinVar variation 267084 (VCV000267084.5), dbSNP rs886040773, ClinGen allele CA10589055.

ClinVar aggregate classification (germline): Pathogenic. Review status: reviewed by expert panel (3 of 4 stars). 3 submissions from 3 submitters: Pathogenic (1). 2 of the submissions do not count toward it. Last evaluated 2016-10-18.

Conditions:
Breast-ovarian cancer, familial, susceptibility to, 2 (BROVCA2). Also called: BRCA2 Hereditary Breast and Ovarian Cancer. Identifiers: Orphanet 145, MedGen C2675520, MONDO:0012933, OMIM 612555. Disease mechanism: loss of function.
Hereditary breast ovarian cancer syndrome. Also called: BRCA1- and BRCA2-Associated Hereditary Breast and Ovarian Cancer; Hereditary breast and ovarian cancer; Breast and ovarian cancer; Hereditary breast and/or ovarian cancer syndrome; Hereditary breast and ovarian cancer syndrome; Hereditary breast and ovarian cancer syndrome (HBOC). Identifiers: Orphanet 145, MedGen C0677776, MeSH D061325, MONDO:0003582. Disease mechanism: loss of function.

Submissions (3):

Evidence-based Network for the Interpretation of Germline Mutant Alleles (ENIGMA)
Classification: Pathogenic for Breast-ovarian cancer, familial, susceptibility to, 2. Last evaluated: 2016-10-18. Review status: reviewed by expert panel. Criteria: ENIGMA BRCA1/2 Classification Criteria (2015). Collection method: curation. Allele origin: germline.
Comment: Variant allele predicted to encode a truncated non-functional protein.

Consortium of Investigators of Modifiers of BRCA1/2 (CIMBA), c/o University of Cambridge
Classification: Pathogenic for Breast-ovarian cancer, familial, susceptibility to, 2. Last evaluated: 2015-10-02. Review status: criteria provided, single submitter. Criteria: CIMBA Mutation Classification guidelines May 2016. Collection method: clinical testing. Allele origin: germline. Not counted in ClinVar's aggregate classification.

Research Molecular Genetics Laboratory, Women's College Hospital, University of Toronto
Classification: Pathogenic for Hereditary breast ovarian cancer syndrome. Last evaluated: 2014-01-31. Review status: no assertion criteria provided. Collection method: research. Allele origin: germline. Affected: yes. Study: The Canadian Open Genetics Repository (COGR). Not counted in ClinVar's aggregate classification.